The following is an entry in ClinVar:

NM_000152.5(GAA):c.858+17_858+23del

Gene: GAA (alpha glucosidase; plus strand). Cytogenetic location: 17q25.3.
Variant type: Microsatellite.
Coding change: c.858+17_858+23del on transcript NM_000152.5 (MANE Select); bases 17 to 23 of the intron after coding-DNA position 858, 7 bases deleted (CGGGCGG; older notation c.858+17_858+23delCGGGCGG).
Molecular consequence: intron variant.
Genome position (GRCh38, 1-based): chr17:80,107,739-80,107,745, CGGGCGG deleted; deleting any 7 consecutive bases within chr17:80,107,728-80,107,745 gives the same sequence; the c. name uses the placement nearest the transcript's 3' end. VCF-style (leftmost placement, unchanged base first): chr17-80107727-AGCGGCGG-A. GRCh37 (hg19) VCF-style: chr17-78081526-AGCGGCGG-A.
Other names: p.?; c.858+17_858+23delCGGGCGG (NM_000152.3, NM_000152.5); c.858+17_858+23del (NM_001079803.3, NM_001079804.3).
Identifiers: ClinVar variation 420493 (VCV000420493.44), dbSNP rs1555599723, ClinGen allele CA8815034.
Genomic context (GRCh38, chr17:80,107,727, plus strand): 5'-TGCTCAGCACCAGCTGGACCAGGATCACCCTGTGGAACCGGGACCTTGCGCCCACGGTAC[AGCGGCGG>A]GCGGCGGGCGGGGGCACTGAGCTGGGGAGCGCAGGTGCTGAAGCGCCGTCTCCTGCATGT-3'

ClinVar aggregate classification (germline): Benign. Review status: reviewed by expert panel (3 of 4 stars). 10 submissions from 9 submitters: Benign (1). 9 of the submissions do not count toward it. Last evaluated 2024-02-06.

Conditions:
Glycogen storage disease, type II (IOPD). Also called: Glucosidase acid-1,4-alpha deficiency; Pompe Disease; CARDIOMEGALIA GLYCOGENICA DIFFUSA; POMPE DISEASE, INFANTILE-ONSET; GLYCOGEN STORAGE DISEASE II, INFANTILE-ONSET; ACID ALPHA-GLUCOSIDASE DEFICIENCY, INFANTILE-ONSET. Identifiers: Orphanet 365, MedGen C0017921, MONDO:0009290, OMIM 232300.

Submissions (10):

ClinGen Lysosomal Storage Disorder Variant Curation Expert Panel
Classification: Benign for Glycogen storage disease, type II. Last evaluated: 2024-02-06. Review status: reviewed by expert panel. Criteria: clingen_lsd_acmg_specifications_v2-1. Collection method: curation. Allele origin: germline. Inheritance: Autosomal recessive inheritance.
Comment: The NM_000152.5(GAA):c.858+17_858+23del variant in GAA is an intronic variant. The highest population minor allele frequency in gnomAD v2.1.1 is 0.01599 (378/23644 alleles) in the African/African American population, which is higher than the ClinGen Lysosomal Diseases VCEP’s threshold for BA1 (>0.01), meeting the stand alone criterion, BA1. There is a ClinVar entry for this variant (Variation ID: 420493). In summary, this variant meets the criteria to be classified as benign for Pompe disease, based on the GAA-specific ACMG/AMP criteria applied, as specified by the ClinGen Lysosomal Disease Variant Curation Expert Panel (Specifications version 2.0): BA1. (Classification approved by the ClinGen Lysosomal Diseases Variant Curation Expert Panel on February 6, 2024).

Genomenon, Inc
Classification: Benign for Glycogen storage disease, type II. Last evaluated: 2026-07-01. Review status: criteria provided, single submitter. Criteria: Genomenon Sequence Variant Interpretation Standards - Updated. Collection method: curation. Allele origin: germline. Affected: no. Not counted in ClinVar's aggregate classification.
Comment: GAA c.858+17_858+23del is a deletion variant located in intron 4. This variant is present at high allele frequency in population databases. We classify GAA c.858+17_858+23del as a benign variant.

Labcorp Genetics (formerly Invitae), Labcorp
Classification: Likely benign for Glycogen storage disease, type II. Last evaluated: 2026-02-03. Review status: criteria provided, single submitter. Criteria: Invitae Variant Classification Sherloc (09022015). Collection method: clinical testing. Allele origin: germline. Not counted in ClinVar's aggregate classification.

CeGaT Center for Human Genetics Tuebingen
Classification: Benign. Last evaluated: 2025-11-01. Review status: criteria provided, single submitter. Criteria: CeGaT Center For Human Genetics Tuebingen Variant Classification Criteria Version 2. Collection method: clinical testing. Allele origin: germline. Affected: yes. Observed: 2 variant alleles. Not counted in ClinVar's aggregate classification.
Comment: GAA: BS1, BS2

Mayo Clinic Laboratories, Mayo Clinic
Classification: Benign. Last evaluated: 2025-10-13. Review status: criteria provided, single submitter. Criteria: ACMG Guidelines, 2015. Collection method: clinical testing. Allele origin: germline. Observed: 16 variant alleles. Not counted in ClinVar's aggregate classification.

ARUP Laboratories, Molecular Genetics and Genomics, ARUP Laboratories
Classification: Benign for Glycogen storage disease, type II. Last evaluated: 2025-06-02. Review status: criteria provided, single submitter. Criteria: ARUP Molecular Germline Variant Investigation Process 2024. Collection method: clinical testing. Allele origin: germline. Not counted in ClinVar's aggregate classification.

Women's Health and Genetics/Laboratory Corporation of America, LabCorp
Classification: Benign. Last evaluated: 2022-01-14. Review status: criteria provided, single submitter. Criteria: LabCorp Variant Classification Summary - May 2015. Collection method: clinical testing. Allele origin: germline. Not counted in ClinVar's aggregate classification.
Comment: Variant summary: GAA c.858+17_858+23delCGGGCGG alters a nucleotide located close to a canonical splice site and therefore could affect mRNA splicing, leading to a significantly altered protein sequence. 4/4 computational tools predict no significant impact on normal splicing. However, these predictions have yet to be confirmed by functional studies. The variant allele was found at a frequency of 0.0015 in 274012 control chromosomes, predominantly at a frequency of 0.016 within the African or African-American subpopulation in the gnomAD database, including 4 homozygotes. The observed variant frequency within African or African-American control individuals in the gnomAD database is approximately 4 fold of the estimated maximal expected allele frequency for a pathogenic variant in GAA causing Glycogen Storage Disease, Type 2 (Pompe Disease) phenotype (0.0042), strongly suggesting that the variant is a benign polymorphism found primarily in populations of African or African-American origin. To our knowledge, no occurrence of c.858+17_858+23delCGGGCGG in individuals affected with Glycogen Storage Disease, Type 2 (Pompe Disease) and no experimental evidence demonstrating its impact on protein function have been reported. Four ClinVar submitters (evaluation after 2014) cited the variant as benign (n=2) and likely benign (n=2). Based on the evidence outlined above, the variant was classified as benign.

GeneDx
Classification: Benign. Last evaluated: 2018-05-09. Review status: criteria provided, single submitter. Criteria: GeneDx Variant Classification Process June 2021. Collection method: clinical testing. Allele origin: germline. Affected: yes. Not counted in ClinVar's aggregate classification.

Natera, Inc.
Classification: Likely benign for Glycogen storage disease type II. Last evaluated: 2020-09-16. Review status: no assertion criteria provided. Collection method: clinical testing. Allele origin: germline. Not counted in ClinVar's aggregate classification.

GeneDx
Classification: Likely benign. Last evaluated: 2018-09-04. Review status: flagged submission. Criteria: GeneDx Variant Classification Process June 2021. Collection method: clinical testing. Allele origin: germline. Affected: yes. Not counted in ClinVar's aggregate classification.
ClinVar note: Reason: This record appears to be redundant with a more recent record from the same submitter.
ClinVar note: Notes: SCV001826669 appears to be redundant with SCV000569348.